The following is an entry in ClinVar:

NM_000426.4(LAMA2):c.1893_1897del (p.Asp631fs)

Gene: LAMA2 (laminin subunit alpha 2; plus strand). Cytogenetic location: 6q22.33.
Variant type: Deletion.
Coding change: c.1893_1897del on transcript NM_000426.4 (MANE Select); coding-DNA positions 1893 to 1897, 5 bases deleted (CTTGA; older notation c.1893_1897delCTTGA).
Protein change: p.Asp631fs; shifts the reading frame from aspartic acid 631.
Molecular consequence: frameshift variant.
Genome position (GRCh38, 1-based): chr6:129,252,092-129,252,096, CTTGA deleted; deleting any 5 consecutive bases within chr6:129,252,089-129,252,096 gives the same sequence; the c. name uses the placement nearest the transcript's 3' end. VCF-style (leftmost placement, unchanged base first): chr6-129252088-ATGACT-A. GRCh37 (hg19) VCF-style: chr6-129573233-ATGACT-A.
Other names: c.1893_1897del, p.Asp631fs (NM_001079823.2); c.1893_1897del5 (NM_000426.3); short protein forms D631fs.
Identifiers: ClinVar variation 800887 (VCV000800887.16), dbSNP rs746844753, ClinGen allele CA3992792.

ClinVar aggregate classification (germline): Pathogenic/Likely pathogenic. Review status: criteria provided, multiple submitters, no conflicts (2 of 4 stars). 7 submissions from 7 submitters: Pathogenic (5); Likely pathogenic (1). 1 of the submissions does not count toward it. Last evaluated 2025-11-27.

Conditions:
Muscular dystrophy, limb-girdle, autosomal recessive 23. Identifiers: Orphanet 565837, MedGen C4748327, MONDO:0029136, OMIM 618138.
Merosin deficient congenital muscular dystrophy (MDC1A). Also called: Congenital merosin-deficient muscular dystrophy 1A; Congenital Muscular Dystrophy Type 1A (MDC1A). Identifiers: Orphanet 258, MedGen C1263858, MONDO:0011925, OMIM 607855.
LAMA2-related disorder. Also called: LAMA2-related disorders; LAMA2-related condition.
LAMA2-related muscular dystrophy (LAMA2-RD). Also called: Laminin alpha 2-related dystrophy. Identifiers: MedGen C5679788, MONDO:0100228.

Submissions (7):

Labcorp Genetics (formerly Invitae), Labcorp
Classification: Pathogenic for LAMA2-related muscular dystrophy. Last evaluated: 2025-11-27. Review status: criteria provided, single submitter. Criteria: Invitae Variant Classification Sherloc (09022015). Collection method: clinical testing. Allele origin: germline.
Comment: This sequence change creates a premature translational stop signal (p.Asp631Glufs*8) in the LAMA2 gene. It is expected to result in an absent or disrupted protein product. Loss-of-function variants in LAMA2 are known to be pathogenic (PMID: 18700894, 32904964). This variant is present in population databases (rs746844753, gnomAD 0.01%). This premature translational stop signal has been observed in individual(s) with clinical features of muscular dystrophy (PMID: 20207543). ClinVar contains an entry for this variant (Variation ID: 800887). For these reasons, this variant has been classified as Pathogenic.

3billion
Classification: Pathogenic for Merosin deficient congenital muscular dystrophy. Last evaluated: 2024-01-22. Review status: criteria provided, single submitter. Criteria: ACMG Guidelines, 2015. Collection method: clinical testing. Allele origin: germline. Affected: yes.
Comment: The variant is observed at an extremely low frequency in the gnomAD v2.1.1 dataset (total allele frequency: 0.002%). Predicted Consequence/Location: Frameshift: predicted to result in a loss or disruption of normal protein function through nonsense-mediated decay (NMD) or protein truncation. Multiple pathogenic variants are reported downstream of the variant. The variant has been reported at least twice as pathogenic with clinical assertions and evidence for the classification (ClinVar ID: VCV000800887 /PMID: 11938437 /3billion dataset). Therefore, this variant is classified as Pathogenic according to the recommendation of ACMG/AMP guideline.

Blueprint Genetics
Classification: Pathogenic for LAMA2-related disorders. Last evaluated: 2019-07-19. Review status: criteria provided, single submitter. Criteria: ACMG Guidelines, 2015. Collection method: clinical testing. Allele origin: germline. Affected: yes. Observed: 1 variant allele.

Mendelics
Classification: Pathogenic for Merosin deficient congenital muscular dystrophy. Last evaluated: 2019-05-28. Review status: criteria provided, single submitter. Criteria: Mendelics Assertion Criteria 2017. Collection method: clinical testing. Allele origin: unknown.

Mayo Clinic Laboratories, Mayo Clinic
Classification: Pathogenic. Last evaluated: 2019-04-15. Review status: criteria provided, single submitter. Criteria: ACMG Guidelines, 2015. Collection method: clinical testing. Allele origin: germline. Observed: 1 variant allele.
Comment: PVS1, PM2, PP4

Neuberg Centre For Genomic Medicine, NCGM
Classification: Likely pathogenic for Muscular dystrophy, limb-girdle, autosomal recessive 23. Review status: criteria provided, single submitter. Criteria: ACMG Guidelines, 2015. Collection method: clinical testing. Allele origin: germline. Inheritance: Autosomal recessive inheritance. Affected: yes.
Comment: The frame shift variant c.1893_1897del (p.Asp631GlufsTer8) in LAMA2 gene has not been reported previously as a pathogenic variant nor as a benign variant, to our knowledge. The p.Asp631GlufsTer8 variant is reported with the allele frequency (0.0019%) in the gnomAD Exomes and is novel (not in any individuals) in 1000 Genomes. This variant causes a frame shift starting with codon Aspartic Acid 631, changes this amino acid to Glutamic Acid residue, and creates a premature Stop codon at position 8 of the new reading frame, denoted p.Asp631GlufsTer8. This variant is predicted to cause loss of normal protein function through protein truncation. Loss of function variants have been previously reported to be disease causing. For these reasons, this variant has been classified as Likely Pathogenic.

Biochemical Molecular Genetic Laboratory, King Abdulaziz Medical City
Classification: Likely pathogenic for Merosin deficient congenital muscular dystrophy. Last evaluated: 2019-09-26. Review status: no assertion criteria provided. Collection method: clinical testing. Allele origin: germline. Affected: yes. Not counted in ClinVar's aggregate classification.

Literature cited by the submitters: PubMed 18700894 (cited by Labcorp Genetics (formerly Invitae), Labcorp); PubMed 32904964 (cited by Labcorp Genetics (formerly Invitae), Labcorp); PubMed 20207543 (cited by Labcorp Genetics (formerly Invitae), Labcorp and Mayo Clinic Laboratories, Mayo Clinic); PubMed 11938437 (cited by 3billion and Mayo Clinic Laboratories, Mayo Clinic).